The following is an entry in ClinVar:

ClinVar aggregate classification (germline): Uncertain significance (1 of 4 stars; one submission).

Conditions:
Primary ciliary dyskinesia. Also called: Ciliary dyskinesia. Identifiers: Orphanet 244, MedGen C0008780, MONDO:0016575, HP:0012265.

gnomAD v4.1: 1 of 1,516,358 alleles (0.000066%); highest among the groups gnomAD compares: Non-Finnish European, 0.000091%; no homozygotes.

Submission:

Labcorp Genetics (formerly Invitae), Labcorp
Classification: Uncertain significance for Primary ciliary dyskinesia. Last evaluated: 2024-01-29. Review status: criteria provided, single submitter. Criteria: Invitae Variant Classification Sherloc (09022015). Collection method: clinical testing. Allele origin: germline.
Comment: This sequence change falls in intron 4 of the DNAH8 gene. It does not directly change the encoded amino acid sequence of the DNAH8 protein. It affects a nucleotide within the consensus splice site. This variant is not present in population databases (gnomAD no frequency). This variant has not been reported in the literature in individuals affected with DNAH8-related conditions. Variants that disrupt the consensus splice site are a relatively common cause of aberrant splicing (PMID: 17576681, 9536098). Algorithms developed to predict the effect of sequence changes on RNA splicing suggest that this variant may disrupt the consensus splice site. In summary, the available evidence is currently insufficient to determine the role of this variant in disease. Therefore, it has been classified as a Variant of Uncertain Significance.

Literature cited by the submitters: PubMed 17576681; PubMed 9536098.

NM_001206927.2(DNAH8):c.610+4A>G

Gene: DNAH8 (dynein axonemal heavy chain 8; plus strand). Cytogenetic location: 6p21.2.
Variant type: single nucleotide variant.
Coding change: c.610+4A>G on transcript NM_001206927.2 (MANE Select); 4 bases into the intron after coding-DNA position 610, A replaced by G.
Molecular consequence: intron variant.
Genome position (GRCh38, 1-based): chr6:38,729,990, A>G. VCF-style: chr6-38729990-A-G. GRCh37 (hg19) VCF-style: chr6-38697766-A-G.
Other names: c.-41-4484A>G (NM_001371.4).
Identifiers: ClinVar variation 3687085 (VCV003687085.2).